The following is an entry in ClinVar:

ClinVar aggregate classification (germline): Pathogenic. Review status: criteria provided, multiple submitters, no conflicts (2 of 4 stars). 2 submissions from 2 submitters: Pathogenic (2). Last evaluated 2023-08-30.

Conditions:
Familial adenomatous polyposis 4 (FAP4). Also called: MSH3-related attenuated familial adenomatous polyposis. Identifiers: Orphanet 480536, MedGen C4310719, MONDO:0044300, OMIM 617100.

Allele frequency attached by ClinVar (database versions not stated): gnomAD 0.00001.

Submissions (2):

Myriad Genetics, Inc.
Classification: Pathogenic for Familial adenomatous polyposis 4. Last evaluated: 2023-08-30. Review status: criteria provided, single submitter. Criteria: Myriad Autosomal Dominant, Autosomal Recessive and X-Linked Classification Criteria (2023). Collection method: clinical testing. Allele origin: unknown.
Comment: This variant is considered pathogenic. This variant creates a frameshift predicted to result in premature protein truncation.

Labcorp Genetics (formerly Invitae), Labcorp
Classification: Pathogenic. Last evaluated: 2022-12-14. Review status: criteria provided, single submitter. Criteria: Invitae Variant Classification Sherloc (09022015). Collection method: clinical testing. Allele origin: germline.
Comment: For these reasons, this variant has been classified as Pathogenic. This variant has not been reported in the literature in individuals affected with MSH3-related conditions. This variant is not present in population databases (gnomAD no frequency). This sequence change creates a premature translational stop signal (p.Pro765Leufs*3) in the MSH3 gene. It is expected to result in an absent or disrupted protein product. Loss-of-function variants in MSH3 are known to be pathogenic (PMID: 27476653).

Literature cited by the submitters: PubMed 27476653 (cited by Labcorp Genetics (formerly Invitae), Labcorp).

NM_002439.5(MSH3):c.2293_2294insT (p.Pro765fs)

Gene: MSH3 (mutS homolog 3; plus strand). Cytogenetic location: 5q14.1.
Variant type: Insertion.
Coding change: c.2293_2294insT on transcript NM_002439.5 (MANE Select); coding-DNA positions 2293 to 2294, T inserted.
Protein change: p.Pro765fs; shifts the reading frame from proline 765.
Molecular consequence: frameshift variant.
Genome position: GRCh38 VCF-style: chr5-80775733-C-CT. GRCh37 (hg19) VCF-style: chr5-80071552-C-CT.
Other names: short protein forms P765fs.
Identifiers: ClinVar variation 2673542 (VCV002673542.4), dbSNP rs1744286516, ClinGen allele CA1077990957.